The following is an entry in ClinVar:

ClinVar aggregate classification (germline): Uncertain significance (1 of 4 stars; one submission).

Conditions:
Epilepsy, familial focal, with variable foci 3 (FFEVF3). Identifiers: MedGen C4310708, MONDO:0014925, OMIM 617118.

Allele frequency attached by ClinVar (database versions not stated): gnomAD exomes below 0.00001; TOPMed below 0.00001.
gnomAD v4.1: 4 of 1,613,564 alleles (0.00025%); highest among the groups gnomAD compares: Non-Finnish European, 0.00034%; no homozygotes.

Submission:

Labcorp Genetics (formerly Invitae), Labcorp
Classification: Uncertain significance for Epilepsy, familial focal, with variable foci 3. Last evaluated: 2025-06-15. Review status: criteria provided, single submitter. Criteria: Invitae Variant Classification Sherloc (09022015). Collection method: clinical testing. Allele origin: germline.
Comment: This sequence change replaces tyrosine, which is neutral and polar, with aspartic acid, which is acidic and polar, at codon 258 of the NPRL3 protein (p.Tyr258Asp). This variant is not present in population databases (gnomAD no frequency). This variant has not been reported in the literature in individuals affected with NPRL3-related conditions. ClinVar contains an entry for this variant (Variation ID: 1965903). Invitae Evidence Modeling of protein sequence and biophysical properties (such as structural, functional, and spatial information, amino acid conservation, physicochemical variation, residue mobility, and thermodynamic stability) indicates that this missense variant is expected to disrupt NPRL3 protein function with a positive predictive value of 80%. In summary, the available evidence is currently insufficient to determine the role of this variant in disease. Therefore, it has been classified as a Variant of Uncertain Significance.

NM_001077350.3(NPRL3):c.772T>G (p.Tyr258Asp)

Genes: HBA-LCR (alpha-globin locus control region; plus strand), NPRL3 (NPR3 like, GATOR1 complex subunit; minus strand). Cytogenetic location: 16p13.3.
Variant type: single nucleotide variant.
Coding change: c.772T>G on transcript NM_001077350.3 (MANE Select); coding-DNA position 772, T replaced by G.
Protein change: p.Tyr258Asp; replaces tyrosine 258 with aspartic acid.
Molecular consequence: missense variant.
Genome position (GRCh38, 1-based): chr16:98,297, A>C on the plus strand (T>G on the coding strand, the complement: NPRL3 is on the minus strand). VCF-style: chr16-98297-A-C. GRCh37 (hg19) VCF-style: chr16-148295-A-C.
Other names: c.235T>G, p.Tyr79Asp (NM_001039476.3); c.538T>G, p.Tyr180Asp (NM_001243247.2); c.697T>G, p.Tyr233Asp (NM_001243248.2, NM_001243249.2); short protein forms Y180D, Y79D, Y233D, Y258D.
Identifiers: ClinVar variation 1965903 (VCV001965903.5), dbSNP rs1899110384, ClinGen allele CA394055937.